The following is an entry in ClinVar:

ClinVar aggregate classification (germline): Uncertain significance (1 of 4 stars; one submission).

gnomAD v4.1: 2 of 1,614,072 alleles (0.00012%); highest among the groups gnomAD compares: African/African-American, 0.0027%; no homozygotes.

Submission:

GeneDx
Classification: Uncertain significance. Last evaluated: 2024-05-10. Review status: criteria provided, single submitter. Criteria: GeneDx Variant Classification Process June 2021. Collection method: clinical testing. Allele origin: germline. Affected: yes.
Comment: Not observed at significant frequency in large population cohorts (gnomAD); In silico analysis supports that this missense variant has a deleterious effect on protein structure/function; Has not been previously published as pathogenic or benign to our knowledge

NM_001148.6(ANK2):c.3610G>A (p.Glu1204Lys)

Gene: ANK2 (ankyrin 2; plus strand). Cytogenetic location: 4q26.
Variant type: single nucleotide variant.
Coding change: c.3610G>A on transcript NM_001148.6 (MANE Select); coding-DNA position 3610, G replaced by A.
Protein change: p.Glu1204Lys; replaces glutamic acid 1204 with lysine.
Molecular consequence: missense variant.
Genome position (GRCh38, 1-based): chr4:113,336,595, G>A. VCF-style: chr4-113336595-G-A. GRCh37 (hg19) VCF-style: chr4-114257751-G-A.
Other names: c.3583G>A, p.Glu1195Lys (NM_001127493.3); c.3622G>A, p.Glu1208Lys (NM_001354225.2); c.3511G>A, p.Glu1171Lys (NM_001354228.2, NM_001354258.2); c.3589G>A, p.Glu1197Lys (NM_001354230.2); c.3652G>A, p.Glu1218Lys (NM_001354231.2, NM_001354242.2); c.3646G>A, p.Glu1216Lys (NM_001354232.2); c.3607G>A, p.Glu1203Lys (NM_001354235.2, NM_001354246.2, NM_001354265.2); c.3508G>A, p.Glu1170Lys (NM_001354236.2); and 31 more; short protein forms E392K, E4K, E1043K, E1076K, E1104K, E1109K, E1117K, E1129K.
Identifiers: ClinVar variation 3375661 (VCV003375661.1).